The following is an entry in ClinVar:

ClinVar aggregate classification (germline): Likely pathogenic (1 of 4 stars; one submission).

Conditions:
Non-immune hydrops fetalis (NIHF). Also called: Fetal edema; Idiopathic hydrops fetalis; Familial non-immune hydrops fetalis. Identifiers: Orphanet 363999, MedGen C0455988, MONDO:0009369, OMIM 236750, HP:0001790.

Submission:

Genomic Medicine Lab, University of California San Francisco
Classification: Likely pathogenic for Non-immune hydrops fetalis. Last evaluated: 2024-10-18. Review status: criteria provided, single submitter. Criteria: ACMG Guidelines, 2015. Collection method: clinical testing. Allele origin: de novo. Affected: yes.
Comment: This sequence change results in the missense substitution p.Pro688Leu in the EPHB4 protein. This variant is absent from population sequencing projects (gnomAD no frequency). This variant has not been reported in the literature. The variant is absent from ClinVar. This variant was identified as de novo in trio analysis.

NM_004444.5(EPHB4):c.2063C>T (p.Pro688Leu)

Gene: EPHB4 (EPH receptor B4; minus strand). Cytogenetic location: 7q22.1.
Variant type: single nucleotide variant.
Coding change: c.2063C>T on transcript NM_004444.5 (MANE Select); coding-DNA position 2063, C replaced by T.
Protein change: p.Pro688Leu; replaces proline 688 with leucine.
Molecular consequence: missense variant.
Genome position (GRCh38, 1-based): chr7:100,812,802, G>A on the plus strand (C>T on the coding strand, the complement: EPHB4 is on the minus strand). VCF-style: chr7-100812802-G-A. GRCh37 (hg19) VCF-style: chr7-100410424-G-A.
Other names: short protein forms P688L.
Identifiers: ClinVar variation 3778837 (VCV003778837.1).
Genomic context (GRCh38, chr7:100,812,802, plus strand): 5'-CTCACCCGCAGGAAGGAGTCCAGGGCGCCGTTCTCCATGAACTCTGTGAGAATCATGACG[G>A]GCATGCTGTTGGTGACCACGCCCTCCAGGCGGATGATATTGGGGTGCTCGAACTGGCCCA-3'
Protein context (NP_004435.3, residues 678-698): RLEGVVTNSM[Pro688Leu]VMILTEFMEN